The following is an entry in ClinVar:

ClinVar aggregate classification (germline): Uncertain significance (1 of 4 stars; one submission).

Submission:

Labcorp Genetics (formerly Invitae), Labcorp
Classification: Uncertain significance. Last evaluated: 2024-10-22. Review status: criteria provided, single submitter. Criteria: Invitae Variant Classification Sherloc (09022015). Collection method: clinical testing. Allele origin: germline.
Comment: This sequence change replaces lysine, which is basic and polar, with arginine, which is basic and polar, at codon 84 of the SLC51B protein (p.Lys84Arg). This variant is not present in population databases (gnomAD no frequency). This variant has not been reported in the literature in individuals affected with SLC51B-related conditions. An algorithm developed to predict the effect of missense changes on protein structure and function outputs the following: PolyPhen-2: "Benign". The arginine amino acid residue is found in multiple mammalian species, which suggests that this missense change does not adversely affect protein function. Algorithms developed to predict the effect of sequence changes on RNA splicing suggest that this variant may disrupt the consensus splice site. In summary, the available evidence is currently insufficient to determine the role of this variant in disease. Therefore, it has been classified as a Variant of Uncertain Significance.

NM_178859.4(SLC51B):c.251A>G (p.Lys84Arg)

Genes: RASL12 (RAS like family 12; minus strand), SLC51B (SLC51 subunit beta; plus strand). Cytogenetic location: 15q22.31.
Variant type: single nucleotide variant.
Coding change: c.251A>G on transcript NM_178859.4 (MANE Select); coding-DNA position 251, A replaced by G.
Protein change: p.Lys84Arg; replaces lysine 84 with arginine.
Molecular consequence: missense variant.
Genome position (GRCh38, 1-based): chr15:65,053,028, A>G. VCF-style: chr15-65053028-A-G. GRCh37 (hg19) VCF-style: chr15-65345366-A-G.
Other names: short protein forms K84R.
Identifiers: ClinVar variation 2748522 (VCV002748522.3), dbSNP rs2506191657, ClinGen allele CA392842545.